The following is an entry in ClinVar:

ClinVar aggregate classification (germline): Uncertain significance (1 of 4 stars; one submission).

Allele frequency attached by ClinVar (database versions not stated): gnomAD exomes below 0.00001; ExAC 0.00001.
gnomAD v4.1: 4 of 1,611,784 alleles (0.00025%); highest among the groups gnomAD compares: Non-Finnish European, 0.00034%; no homozygotes.

Submission:

Labcorp Genetics (formerly Invitae), Labcorp
Classification: Uncertain significance. Last evaluated: 2023-03-10. Review status: criteria provided, single submitter. Criteria: Invitae Variant Classification Sherloc (09022015). Collection method: clinical testing. Allele origin: germline.
Comment: In summary, the available evidence is currently insufficient to determine the role of this variant in disease. Therefore, it has been classified as a Variant of Uncertain Significance. This sequence change replaces aspartic acid, which is acidic and polar, with alanine, which is neutral and non-polar, at codon 241 of the KIAA1161 protein (p.Asp241Ala). This variant is present in population databases (rs765772622, gnomAD 0.0009%). This variant has not been reported in the literature in individuals affected with KIAA1161-related conditions. ClinVar contains an entry for this variant (Variation ID: 1681313). Advanced modeling of protein sequence and biophysical properties (such as structural, functional, and spatial information, amino acid conservation, physicochemical variation, residue mobility, and thermodynamic stability) performed at Invitae indicates that this missense variant is not expected to disrupt KIAA1161 protein function.

NM_020702.5(MYORG):c.722A>C (p.Asp241Ala)

Gene: MYORG (myogenesis regulating glycosidase; minus strand). Cytogenetic location: 9p13.3.
Variant type: single nucleotide variant.
Coding change: c.722A>C on transcript NM_020702.5 (MANE Select); coding-DNA position 722, A replaced by C.
Protein change: p.Asp241Ala; replaces aspartic acid 241 with alanine.
Molecular consequence: missense variant.
Genome position (GRCh38, 1-based): chr9:34,372,222, T>G on the plus strand (A>C on the coding strand, the complement: MYORG is on the minus strand). VCF-style: chr9-34372222-T-G. GRCh37 (hg19) VCF-style: chr9-34372220-T-G.
Other names: short protein forms D241A.
Identifiers: ClinVar variation 1681313 (VCV001681313.8), dbSNP rs765772622, ClinGen allele CA5033083.